The following is an entry in ClinVar:

NM_000038.6(APC):c.2088A>G (p.Glu696=)

Gene: APC (APC regulator of Wnt signaling pathway; plus strand). Cytogenetic location: 5q22.2.
Variant type: single nucleotide variant.
Coding change: c.2088A>G on transcript NM_000038.6 (MANE Select); coding-DNA position 2088, A replaced by G.
Protein change: p.Glu696=; no amino-acid change (glutamic acid 696 retained).
Molecular consequence: synonymous variant.
Genome position (GRCh38, 1-based): chr5:112,837,682, A>G. VCF-style: chr5-112837682-A-G. GRCh37 (hg19) VCF-style: chr5-112173379-A-G.
Other names: c.2088A>G (NM_000038.5); c.2088A>G, p.Glu696= (NM_001127510.3, NM_001354895.2); c.2034A>G, p.Glu678= (NM_001127511.3); c.2142A>G, p.Glu714= (NM_001354896.2); c.2118A>G, p.Glu706= (NM_001354897.2); c.2013A>G, p.Glu671= (NM_001354898.2); c.2004A>G, p.Glu668= (NM_001354899.2); c.1965A>G, p.Glu655= (NM_001354900.2); and 6 more.
Identifiers: ClinVar variation 1639200 (VCV001639200.10), dbSNP rs2149860260, ClinGen allele CA445963401.

ClinVar aggregate classification (germline): Benign/Likely benign. Review status: criteria provided, multiple submitters, no conflicts (2 of 4 stars). 3 submissions from 3 submitters: Benign (1); Likely benign (2). Last evaluated 2026-09-13.

Conditions:
Familial adenomatous polyposis 1 (FAP1). Also called: POLYPOSIS, ADENOMATOUS INTESTINAL; FAMILIAL ADENOMATOUS POLYPOSIS 1, ATTENUATED. Identifiers: MedGen C2713442, MONDO:0021056, OMIM 175100. Disease mechanism: loss of function.
Hereditary cancer-predisposing syndrome. Also called: Tumor predisposition; Hereditary neoplastic syndrome; Neoplastic Syndromes, Hereditary; Hereditary Cancer Syndrome. Identifiers: Orphanet 140162, MedGen C0027672, MeSH D009386, MONDO:0015356.

Submissions (3):

Ambry Genetics
Classification: Likely benign for Hereditary cancer-predisposing syndrome. Last evaluated: 2026-09-13. Review status: criteria provided, single submitter. Criteria: Ambry Variant Classification Scheme 2023. Collection method: clinical testing. Allele origin: germline.

Myriad Genetics, Inc.
Classification: Benign for Familial adenomatous polyposis 1. Last evaluated: 2024-03-08. Review status: criteria provided, single submitter. Criteria: Myriad Autosomal Dominant, Autosomal Recessive and X-Linked Classification Criteria (2023). Collection method: clinical testing. Allele origin: unknown.
Comment: This variant is considered benign. This variant is a silent/synonymous amino acid change and it is not expected to impact splicing.

Labcorp Genetics (formerly Invitae), Labcorp
Classification: Likely benign for Familial adenomatous polyposis 1. Last evaluated: 2022-09-19. Review status: criteria provided, single submitter. Criteria: Invitae Variant Classification Sherloc (09022015). Collection method: clinical testing. Allele origin: germline.